The following is an entry in ClinVar:

NM_001031685.3(TP53BP2):c.2880C>G (p.Leu960=)

Gene: TP53BP2 (tumor protein p53 binding protein 2; minus strand). Cytogenetic location: 1q41.
Variant type: single nucleotide variant.
Coding change: c.2880C>G on transcript NM_001031685.3 (MANE Select); coding-DNA position 2880, C replaced by G.
Protein change: p.Leu960=; no amino-acid change (leucine 960 retained).
Molecular consequence: synonymous variant.
Genome position (GRCh38, 1-based): chr1:223,792,505, G>C on the plus strand (C>G on the coding strand, the complement: TP53BP2 is on the minus strand). VCF-style: chr1-223792505-G-C. GRCh37 (hg19) VCF-style: chr1-223980207-G-C.
Other names: c.2493C>G, p.Leu831= (NM_005426.3).
Identifiers: ClinVar variation 3060669 (VCV003060669.2), dbSNP rs1153936, ClinGen allele CA1412518.
Genomic context (GRCh38, chr1:223,792,505, plus strand): 5'-GATTTCTGTGTGGCCTGCACACACAGCATTGTGAAGAGCCGTGATGCCTTCATCATTGGG[G>C]AGGCTTGGGTCATCAACCTATATCAAGAAGAAGGGTGAGCATCACTCTAGTTTCTTGTCA-3'
Protein context (NP_001026855.2, residues 950-970): RIIYEVDDPS[Leu960=]PNDEGITALH

ClinVar aggregate classification (germline): Benign (0 of 4 stars; one submission).

Conditions:
TP53BP2-related disorder. Also called: TP53BP2-related condition.

Allele frequency attached by ClinVar (database versions not stated): gnomAD exomes 0.08009; ExAC 0.12299; ESP Exome Variant Server 0.16523; gnomAD 0.17040; TOPMed 0.19340; 1000 Genomes Project 0.21386; 1000 Genomes Project 30x 0.21658.
gnomAD v4.1: 144,286 of 1,613,680 alleles (8.9%); highest among the groups gnomAD compares: African/African-American, 37%; 10,977 homozygotes.

Submission:

PreventionGenetics, part of Exact Sciences
Classification: Benign for TP53BP2-related condition. Last evaluated: 2019-10-18. Review status: no assertion criteria provided. Collection method: clinical testing. Allele origin: germline.
Comment: This variant is classified as benign based on ACMG/AMP sequence variant interpretation guidelines (Richards et al. 2015 PMID: 25741868, with internal and published modifications).